The following is an entry in ClinVar:

ClinVar aggregate classification (germline): Likely benign (1 of 4 stars; one submission).

Allele frequency attached by ClinVar (database versions not stated): gnomAD exomes 0.00028; gnomAD 0.00206; TOPMed 0.00273; 1000 Genomes Project 30x 0.00656; 1000 Genomes Project 0.00679.
gnomAD v4.1: 471 of 610,968 alleles (0.077%); highest among the groups gnomAD compares: African/African-American, 0.67%; 2 homozygotes.

Submission:

CeGaT Center for Human Genetics Tuebingen
Classification: Likely benign. Last evaluated: 2026-06-01. Review status: criteria provided, single submitter. Criteria: CeGaT Center For Human Genetics Tuebingen Variant Classification Criteria Version 2. Collection method: clinical testing. Allele origin: germline. Affected: yes. Observed: 4 variant alleles.
Comment: ANKRD11: BP4, BP7, BS1

NM_013275.6(ANKRD11):c.744+328G>A

Gene: ANKRD11 (ankyrin repeat domain 11; minus strand). Cytogenetic location: 16q24.3.
Variant type: single nucleotide variant.
Coding change: c.744+328G>A on transcript NM_013275.6 (MANE Select); 328 bases into the intron after coding-DNA position 744, G replaced by A.
Molecular consequence: intron variant.
Genome position (GRCh38, 1-based): chr16:89,288,200, C>T on the plus strand (G>A on the coding strand, the complement: ANKRD11 is on the minus strand). VCF-style: chr16-89288200-C-T. GRCh37 (hg19) VCF-style: chr16-89354608-C-T.
Other names: c.744+328G>A (NM_001256183.2, NM_001256182.2).
Identifiers: ClinVar variation 2647093 (VCV002647093.24), dbSNP rs578013200, ClinGen allele CA286524759.